The following is an entry in ClinVar:

NM_000075.4(CDK4):c.539A>G (p.Tyr180Cys)

Gene: CDK4 (cyclin dependent kinase 4; minus strand). Cytogenetic location: 12q14.1.
Variant type: single nucleotide variant.
Coding change: c.539A>G on transcript NM_000075.4 (MANE Select); coding-DNA position 539, A replaced by G.
Protein change: p.Tyr180Cys; replaces tyrosine 180 with cysteine.
Molecular consequence: missense variant.
Genome position (GRCh38, 1-based): chr12:57,750,749, T>C on the plus strand (A>G on the coding strand, the complement: CDK4 is on the minus strand). VCF-style: chr12-57750749-T-C. GRCh37 (hg19) VCF-style: chr12-58144532-T-C.
Other names: short protein forms Y180C.
Identifiers: ClinVar variation 3489506 (VCV003489506.1).

ClinVar aggregate classification (germline): Uncertain significance (1 of 4 stars; one submission).

Conditions:
Hereditary cancer-predisposing syndrome. Also called: Tumor predisposition; Neoplastic Syndromes, Hereditary; Hereditary Cancer Syndrome; Hereditary neoplastic syndrome. Identifiers: Orphanet 140162, MedGen C0027672, MeSH D009386, MONDO:0015356.

Submission:

Ambry Genetics
Classification: Uncertain significance for Hereditary cancer-predisposing syndrome. Last evaluated: 2024-11-25. Review status: criteria provided, single submitter. Criteria: Ambry Variant Classification Scheme 2023. Collection method: clinical testing. Allele origin: germline.
Comment: The p.Y180C variant (also known as c.539A>G), located in coding exon 4 of the CDK4 gene, results from an A to G substitution at nucleotide position 539. The tyrosine at codon 180 is replaced by cysteine, an amino acid with highly dissimilar properties. This amino acid position is highly conserved in available vertebrate species. In addition, this alteration is predicted to be deleterious by in silico analysis. Based on the available evidence, the clinical significance of this variant remains unclear.